The following is an entry in ClinVar:

NM_002386.4(MC1R):c.274G>A (p.Val92Met)

Gene: MC1R (melanocortin 1 receptor; plus strand). Cytogenetic location: 16q24.3.
Variant type: single nucleotide variant.
Coding change: c.274G>A on transcript NM_002386.4 (MANE Select); coding-DNA position 274, G replaced by A.
Protein change: p.Val92Met; replaces valine 92 with methionine.
Molecular consequence: missense variant.
Genome position (GRCh38, 1-based): chr16:89,919,532, G>A. VCF-style: chr16-89919532-G-A. GRCh37 (hg19) VCF-style: chr16-89985940-G-A.
Other names: short protein forms V92M.
Identifiers: ClinVar variation 14308 (VCV000014308.17), dbSNP rs2228479, ClinGen allele CA123863.

ClinVar aggregate classification (germline): Benign. Review status: criteria provided, multiple submitters, no conflicts (2 of 4 stars). 8 submissions from 7 submitters: Benign (6). 2 of the submissions do not count toward it. Last evaluated 2026-02-04.

Conditions:
Skin/hair/eye pigmentation 2, blond hair/fair skin. Identifiers: MedGen C2675047.
Melanoma, cutaneous malignant, susceptibility to, 5. Also called: Cutaneous malignant melanoma 5. Identifiers: Orphanet 618, MedGen C2751295, MONDO:0013133, OMIM 613099.
Skin/hair/eye pigmentation 2, red hair/fair skin. Identifiers: MedGen C4016260.

Allele frequency attached by ClinVar (database versions not stated): gnomAD 0.06520; 1000 Genomes Project 30x 0.07651; 1000 Genomes Project 0.07967; TOPMed 0.06429.

Submissions (8):

Labcorp Genetics (formerly Invitae), Labcorp
Classification: Benign for Melanoma, cutaneous malignant, susceptibility to, 5. Last evaluated: 2026-02-04. Review status: criteria provided, single submitter. Criteria: Invitae Variant Classification Sherloc (09022015). Collection method: clinical testing. Allele origin: germline.

Mayo Clinic Laboratories, Mayo Clinic
Classification: Benign. Last evaluated: 2021-12-29. Review status: criteria provided, single submitter. Criteria: ACMG Guidelines, 2015. Collection method: clinical testing. Allele origin: germline. Observed: 44 variant alleles.
Comment: BA1

GeneDx
Classification: Benign. Last evaluated: 2019-03-01. Review status: criteria provided, single submitter. Criteria: GeneDx Variant Classification Process June 2021. Collection method: clinical testing. Allele origin: germline. Affected: yes.
Comment: This variant is associated with the following publications: (PMID: 8990005, 17371441, 28555837, 22464597, 23647022, 24660985, 22854540, 22572819, 24335900, 19924138, 20876876, 24916031, 11487574, 18067130, 16463023, 7581459, 8944016, 12859622, 18366057, 17616515, 9302268, 26103569, 30531825, 31382929, 30414346, 28059796)

Illumina Laboratory Services, Illumina
Classification: Benign for Melanoma, cutaneous malignant, susceptibility to, 5. Last evaluated: 2017-04-27. Review status: criteria provided, single submitter. Criteria: ICSL Variant Classification Criteria 13 December 2019. Collection method: clinical testing. Allele origin: germline.
Comment: This variant was observed as part of a predisposition screen in an ostensibly healthy population. A literature search was performed for the gene, cDNA change, and amino acid change (where applicable). Publications were found based on this search. The evidence from the literature, in combination with allele frequency data from public databases where available, was sufficient to rule this variant out of causing disease. Therefore, this variant is classified as benign.

Breakthrough Genomics
Classification: Benign. Review status: criteria provided, single submitter. Criteria: ACMG Guidelines, 2015. Collection method: not provided. Allele origin: germline. Inheritance: Autosomal recessive inheritance. Affected: yes.

PreventionGenetics, part of Exact Sciences
Classification: Benign. Review status: criteria provided, single submitter. Criteria: ACMG Guidelines, 2015. Collection method: clinical testing. Allele origin: germline.

OMIM
Classification: association for SKIN/HAIR/EYE PIGMENTATION 2, RED HAIR/FAIR SKIN. Last evaluated: 2006-04-01. Review status: no assertion criteria provided. Collection method: literature only. Allele origin: germline. Not counted in ClinVar's aggregate classification.

OMIM
Classification: association for SKIN/HAIR/EYE PIGMENTATION 2, BLOND HAIR/FAIR SKIN. Last evaluated: 2006-04-01. Review status: no assertion criteria provided. Collection method: literature only. Allele origin: germline. Not counted in ClinVar's aggregate classification.

Literature cited by the submitters: PubMed 11487574 (cited by Illumina Laboratory Services, Illumina); PubMed 7581459 (cited by OMIM); PubMed 8944016 (cited by OMIM); PubMed 8990005 (cited by OMIM); PubMed 16463023 (cited by OMIM).